The following is an entry in ClinVar:

ClinVar aggregate classification (germline): Uncertain significance (1 of 4 stars; one submission).

Submission:

Labcorp Genetics (formerly Invitae), Labcorp
Classification: Uncertain significance. Last evaluated: 2022-08-23. Review status: criteria provided, single submitter. Criteria: Invitae Variant Classification Sherloc (09022015). Collection method: clinical testing. Allele origin: germline.
Comment: This sequence change falls in intron 13 of the OBSL1 gene. It does not directly change the encoded amino acid sequence of the OBSL1 protein. This variant is not present in population databases (gnomAD no frequency). This variant has not been reported in the literature in individuals affected with OBSL1-related conditions. Algorithms developed to predict the effect of sequence changes on RNA splicing suggest that this variant may disrupt the consensus splice site. In summary, the available evidence is currently insufficient to determine the role of this variant in disease. Therefore, it has been classified as a Variant of Uncertain Significance.

NM_015311.3(OBSL1):c.4337-11_4337-9del

Gene: OBSL1 (obscurin like cytoskeletal adaptor 1; minus strand). Cytogenetic location: 2q35.
Variant type: Microsatellite.
Coding change: c.4337-11_4337-9del on transcript NM_015311.3 (MANE Select); 11 bases into the intron before coding-DNA position 4337 through 9 bases into the intron before coding-DNA position 4337, 3 bases deleted (TTC; older notation c.4337-11_4337-9delTTC).
Molecular consequence: intron variant.
Genome position (GRCh38, 1-based): chr2:219,556,301-219,556,303, GAA deleted on the plus strand (TTC on the coding strand, the reverse complement: OBSL1 is on the minus strand); deleting any 3 consecutive bases within chr2:219,556,301-219,556,307 gives the same sequence; the c. name uses the placement nearest the transcript's 3' end. VCF-style (leftmost placement, unchanged base first): chr2-219556300-GGAA-G. GRCh37 (hg19) VCF-style: chr2-220421022-GGAA-G.
Other names: c.4337-11_4337-9del (NM_001173431.2).
Identifiers: ClinVar variation 2043818 (VCV002043818.4), dbSNP rs2546214138, ClinGen allele CA2580616709.
Genomic context (GRCh38, chr2:219,556,300, plus strand): 5'-GCCTTCCTCTGCCCGCACATCCTGCAACCGCCGTAGGAACAGCAGCTCTGTCTCTGGTGG[GGAA>G]GAAGGAGGCCATGGAGTCTGGTGGGGTTGGAGGCTGGCCCCTTGCTCCATCCCACTGGTC-3'